The following is an entry in ClinVar:

ClinVar aggregate classification (germline): Likely benign. Review status: criteria provided, single submitter (1 of 4 stars). 2 submissions from 2 submitters: Likely benign (1). 1 of the submissions does not count toward it. Last evaluated 2024-04-01.

Conditions:
PDXK-related disorder. Also called: PDXK-related condition.

Allele frequency attached by ClinVar (database versions not stated): TOPMed 0.00020; gnomAD 0.00030; gnomAD exomes 0.00030; ESP Exome Variant Server 0.00031; ExAC 0.00084.
gnomAD v4.1: 494 of 1,611,986 alleles (0.031%); highest among the groups gnomAD compares: Admixed American, 0.042%; 1 homozygote.

Submissions (2):

CeGaT Center for Human Genetics Tuebingen
Classification: Likely benign. Last evaluated: 2024-04-01. Review status: criteria provided, single submitter. Criteria: CeGaT Center For Human Genetics Tuebingen Variant Classification Criteria Version 2. Collection method: clinical testing. Allele origin: germline. Affected: yes. Observed: 1 variant allele.
Comment: PDXK: BP4, BP7

PreventionGenetics, part of Exact Sciences
Classification: Likely benign for PDXK-related condition. Last evaluated: 2020-02-11. Review status: no assertion criteria provided. Collection method: clinical testing. Allele origin: germline. Not counted in ClinVar's aggregate classification.
Comment: This variant is classified as likely benign based on ACMG/AMP sequence variant interpretation guidelines (Richards et al. 2015 PMID: 25741868, with internal and published modifications).

NM_003681.5(PDXK):c.255G>A (p.Thr85=)

Gene: PDXK (pyridoxal kinase; plus strand). Cytogenetic location: 21q22.3.
Variant type: single nucleotide variant.
Coding change: c.255G>A on transcript NM_003681.5 (MANE Select); coding-DNA position 255, G replaced by A.
Protein change: p.Thr85=; no amino-acid change (threonine 85 retained).
Molecular consequence: synonymous variant.
Genome position (GRCh38, 1-based): chr21:43,743,731, G>A. VCF-style: chr21-43743731-G-A. GRCh37 (hg19) VCF-style: chr21-45163612-G-A.
Other names: c.135G>A, p.Thr45= (NM_001331030.2).
Identifiers: ClinVar variation 3045920 (VCV003045920.21), dbSNP rs144786200, ClinGen allele CA10048519.